The following is an entry in ClinVar:

ClinVar aggregate classification (germline): Uncertain significance (1 of 4 stars; one submission).

Conditions:
Vitamin D-dependent rickets, type 1A. Also called: VITAMIN D HYDROXYLATION-DEFICIENT RICKETS, TYPE 1A; PDDR IA; PSEUDOVITAMIN D-DEFICIENCY RICKETS, TYPE IA. Identifiers: MedGen CN283242, MONDO:0020723, OMIM 264700.

Submission:

3billion
Classification: Uncertain significance for Vitamin D-dependent rickets, type 1A. Last evaluated: 2022-05-22. Review status: criteria provided, single submitter. Criteria: ACMG Guidelines, 2015. Collection method: clinical testing. Allele origin: germline. Affected: yes. Observed: 1 homozygote.
Comment: The variant is not observed in the gnomAD v2.1.1 dataset. Missense changes are a common disease-causing mechanism. In silico tool predictions suggest damaging effect of the variant on gene or gene product (REVEL: 0.78; 3Cnet: 0.92). Therefore, this variant is classified as uncertain significanceaccording to the recommendation of ACMG/AMP guideline.

NM_000785.4(CYP27B1):c.1388T>C (p.Leu463Pro)

Gene: CYP27B1 (cytochrome P450 family 27 subfamily B member 1; minus strand). Cytogenetic location: 12q14.1.
Variant type: single nucleotide variant.
Coding change: c.1388T>C on transcript NM_000785.4 (MANE Select); coding-DNA position 1388, T replaced by C.
Protein change: p.Leu463Pro; replaces leucine 463 with proline.
Molecular consequence: missense variant.
Genome position (GRCh38, 1-based): chr12:57,763,636, A>G on the plus strand (T>C on the coding strand, the complement: CYP27B1 is on the minus strand). VCF-style: chr12-57763636-A-G. GRCh37 (hg19) VCF-style: chr12-58157419-A-G.
Other names: short protein forms L463P.
Identifiers: ClinVar variation 1687590 (VCV001687590.1), dbSNP rs2140396100, ClinGen allele CA385500701.
Genomic context (GRCh38, chr12:57,763,636, plus strand): 5'-CAGTCTGGGGAAGGTATAAAATCTAGAGCACTCACCTGGGCCAAAGCCATTTGCAATTCA[A>G]GCTCTGCCAGGCGTCTCCCCATACAGCTGCGCTTGCCAAAGCCAAAGGGAAGAGATGCAA-3'
Protein context (NP_000776.1, residues 453-473): RSCMGRRLAE[Leu463Pro]ELQMALAQIL